The following is an entry in ClinVar:

ClinVar aggregate classification (germline): Uncertain significance. Review status: criteria provided, multiple submitters, no conflicts (2 of 4 stars). 2 submissions from 2 submitters: Uncertain significance (2). Last evaluated 2024-11-08.

Conditions:
Autosomal dominant deafness - onychodystrophy syndrome. Also called: Deafness, congenital, with onychodystrophy, autosomal dominant; DDOD SYNDROME. Identifiers: Orphanet 3231, Orphanet 79499, MedGen C2675730, MONDO:0007420, OMIM 124480.
Inborn genetic diseases. Identifiers: MedGen C0950123, MeSH D030342.

Allele frequency attached by ClinVar (database versions not stated): ExAC 0.00001; gnomAD exomes 0.00001; gnomAD 0.00002; TOPMed 0.00002; ESP Exome Variant Server 0.00015.
gnomAD v4.1: 19 of 1,613,294 alleles (0.0012%); highest among the groups gnomAD compares: South Asian, 0.0044%; no homozygotes.

Submissions (2):

Ambry Genetics
Classification: Uncertain significance for Inborn genetic diseases. Last evaluated: 2024-11-08. Review status: criteria provided, single submitter. Criteria: Ambry Variant Classification Scheme 2023. Collection method: clinical testing. Allele origin: germline.

Baylor Genetics
Classification: Uncertain significance for Autosomal dominant deafness - onychodystrophy syndrome. Last evaluated: 2019-09-20. Review status: criteria provided, single submitter. Criteria: ACMG Guidelines, 2015. Collection method: clinical testing. Allele origin: unknown. Affected: yes.
Comment: This variant was determined to be of uncertain significance according to ACMG Guidelines, 2015 [PMID:25741868].

NM_001693.4(ATP6V1B2):c.1315G>A (p.Val439Ile)

Gene: ATP6V1B2 (ATPase H+ transporting V1 subunit B2; plus strand). Cytogenetic location: 8p21.3.
Variant type: single nucleotide variant.
Coding change: c.1315G>A on transcript NM_001693.4 (MANE Select); coding-DNA position 1315, G replaced by A.
Protein change: p.Val439Ile; replaces valine 439 with isoleucine.
Molecular consequence: missense variant.
Genome position (GRCh38, 1-based): chr8:20,218,201, G>A. VCF-style: chr8-20218201-G-A. GRCh37 (hg19) VCF-style: chr8-20075712-G-A.
Other names: short protein forms V439I.
Identifiers: ClinVar variation 1029522 (VCV001029522.2), dbSNP rs371060908, ClinGen allele CA4657123.
Genomic context (GRCh38, chr8:20,218,201, plus strand): 5'-TCTTCTCTTTAGTATGCGTGCTATGCTATTGGAAAGGATGTGCAAGCCATGAAAGCTGTC[G>A]TTGGAGAAGAAGCCCTTACCTCAGATGATCTTCTCTACTTGGAATTTCTGCAGAAGTTTG-3'
Protein context (NP_001684.2, residues 429-449): GKDVQAMKAV[Val439Ile]GEEALTSDDL